The following is an entry in ClinVar:

NM_002474.3(MYH11):c.4792-108T>C

Genes: MYH11 (myosin heavy chain 11; minus strand), NDE1 (nudE neurodevelopment protein 1; plus strand). Cytogenetic location: 16p13.11.
Variant type: single nucleotide variant.
Coding change: c.4792-108T>C on transcript NM_002474.3 (MANE Select); 108 bases into the intron before coding-DNA position 4792, T replaced by C.
Molecular consequence: intron variant.
Genome position (GRCh38, 1-based): chr16:15,720,420, A>G on the plus strand (T>C on the coding strand, the complement: MYH11 is on the minus strand). VCF-style: chr16-15720420-A-G. GRCh37 (hg19) VCF-style: chr16-15814277-A-G.
Other names: c.948-3771A>G (NM_001143979.2, NM_017668.3); c.4792-108T>C (NM_022844.3); c.4813-108T>C (NM_001040114.2, NM_001040113.2).
Identifiers: ClinVar variation 675410 (VCV000675410.2), dbSNP rs73519685, ClinGen allele CA278598541.
Genomic context (GRCh38, chr16:15,720,420, plus strand): 5'-TCCTTTGGCTCACCTAGGCAGCACATCACTGCACCCCTTCCCCAGCACAGCCCCCTTGTG[A>G]GGTGGGCATCTCATCCCCAGTTGCAGATGAGAAAACGGAATCACGCCGGGCGTGGGTGGC-3'

ClinVar aggregate classification (germline): Benign. Review status: criteria provided, multiple submitters, no conflicts (2 of 4 stars). 2 submissions from 2 submitters: Benign (2). Last evaluated 2018-06-14.

Allele frequency attached by ClinVar (database versions not stated): gnomAD 0.07630 and 0.07995; TOPMed 0.08171; 1000 Genomes Project 0.09026; 1000 Genomes Project 30x 0.09572.
gnomAD v4.1: 40,997 of 1,436,696 alleles (2.9%); highest among the groups gnomAD compares: African/African-American, 22%; 2,103 homozygotes.

Submissions (2):

GeneDx
Classification: Benign. Last evaluated: 2018-06-14. Review status: criteria provided, single submitter. Criteria: GeneDx Variant Classification (06012015). Collection method: clinical testing. Allele origin: germline. Affected: yes.
Comment: This variant is considered likely benign or benign based on one or more of the following criteria: it is a conservative change, it occurs at a poorly conserved position in the protein, it is predicted to be benign by multiple in silico algorithms, and/or has population frequency not consistent with disease.

Breakthrough Genomics
Classification: Benign. Review status: criteria provided, single submitter. Criteria: ACMG Guidelines, 2015. Collection method: not provided. Allele origin: germline. Inheritance: Autosomal recessive inheritance. Affected: yes.